The following is an entry in ClinVar:

NM_000548.5(TSC2):c.4782G>A (p.Leu1594=)

Gene: TSC2 (TSC complex subunit 2; plus strand). Cytogenetic location: 16p13.3.
Variant type: single nucleotide variant.
Coding change: c.4782G>A on transcript NM_000548.5 (MANE Select); coding-DNA position 4782, G replaced by A.
Protein change: p.Leu1594=; no amino-acid change (leucine 1594 retained).
Molecular consequence: synonymous variant.
Genome position (GRCh38, 1-based): chr16:2,086,312, G>A. VCF-style: chr16-2086312-G-A. GRCh37 (hg19) VCF-style: chr16-2136313-G-A.
Other names: c.4581G>A, p.Leu1527= (NM_001077183.3); c.4713G>A, p.Leu1571= (NM_001114382.3); c.4473G>A, p.Leu1491= (NM_001318827.2); c.4437G>A, p.Leu1479= (NM_001318829.2); c.4050G>A, p.Leu1350= (NM_001318831.2); c.4614G>A, p.Leu1538= (NM_001318832.2); c.4584G>A, p.Leu1528= (NM_001363528.2); c.4650G>A, p.Leu1550= (NM_001370404.1); and 1 more.
Identifiers: ClinVar variation 825168 (VCV000825168.7), dbSNP rs1367104092, ClinGen allele CA493043565.
Genomic context (GRCh38, chr16:2,086,312, plus strand): 5'-CCTGACGGGCCTGGGCCGGCTCATCGAGCTGAAGGACTGCCAGCCGGACAAGGTGTACCT[G>A]GGAGGCCTGGACGTGTGTGGTGAGGACGGCCAGTTCACCTACTGCTGGCACGATGACATC-3'
Protein context (NP_000539.2, residues 1584-1604): LKDCQPDKVY[Leu1594=]GGLDVCGEDG

ClinVar aggregate classification (germline): Benign/Likely benign. Review status: criteria provided, multiple submitters, no conflicts (2 of 4 stars). 3 submissions from 3 submitters: Benign (2); Likely benign (1). Last evaluated 2025-06-05.

Conditions:
Hereditary cancer-predisposing syndrome. Also called: Neoplastic Syndromes, Hereditary; Hereditary Cancer Syndrome; Hereditary neoplastic syndrome; Tumor predisposition. Identifiers: Orphanet 140162, MedGen C0027672, MeSH D009386, MONDO:0015356.
Tuberous sclerosis 2 (TSC2). Identifiers: Orphanet 805, MedGen C1860707, MONDO:0013199, OMIM 613254.

Allele frequency attached by ClinVar (database versions not stated): gnomAD exomes below 0.00001 and 0.00001; TOPMed below 0.00001.
gnomAD v4.1: 1 of 1,612,960 alleles (0.000062%); highest among the groups gnomAD compares: East Asian, 0.0022%; no homozygotes.

Submissions (3):

Myriad Genetics, Inc.
Classification: Benign for Tuberous sclerosis 2. Last evaluated: 2025-06-05. Review status: criteria provided, single submitter. Criteria: Myriad Autosomal Dominant, Autosomal Recessive and X-Linked Classification Criteria (2023). Collection method: clinical testing. Allele origin: unknown.
Comment: This variant is considered benign. This variant is a silent/synonymous amino acid change and it is not expected to impact splicing.

Labcorp Genetics (formerly Invitae), Labcorp
Classification: Benign for Tuberous sclerosis 2. Last evaluated: 2024-10-16. Review status: criteria provided, single submitter. Criteria: Invitae Variant Classification Sherloc (09022015). Collection method: clinical testing. Allele origin: germline.

Ambry Genetics
Classification: Likely benign for Hereditary cancer-predisposing syndrome. Last evaluated: 2019-01-22. Review status: criteria provided, single submitter. Criteria: Ambry Variant Classification Scheme 2023. Collection method: clinical testing. Allele origin: germline.